The following is an entry in ClinVar:

NM_004958.4(MTOR):c.2718A>G (p.Ile906Met)

Gene: MTOR (mechanistic target of rapamycin kinase; minus strand). Cytogenetic location: 1p36.22.
Variant type: single nucleotide variant.
Coding change: c.2718A>G on transcript NM_004958.4 (MANE Select); coding-DNA position 2718, A replaced by G.
Protein change: p.Ile906Met; replaces isoleucine 906 with methionine.
Molecular consequence: missense variant.
Genome position (GRCh38, 1-based): chr1:11,230,986, T>C on the plus strand (A>G on the coding strand, the complement: MTOR is on the minus strand). VCF-style: chr1-11230986-T-C. GRCh37 (hg19) VCF-style: chr1-11291043-T-C.
Other names: c.2718A>G, p.Ile906Met (NM_001386500.1); c.1470A>G, p.Ile490Met (NM_001386501.1); short protein forms I490M, I906M.
Identifiers: ClinVar variation 4799839 (VCV004799839.1).

ClinVar aggregate classification (germline): Uncertain significance (1 of 4 stars; one submission).

Submission:

Labcorp Genetics (formerly Invitae), Labcorp
Classification: Uncertain significance. Last evaluated: 2025-04-21. Review status: criteria provided, single submitter. Criteria: Invitae Variant Classification Sherloc (09022015). Collection method: clinical testing. Allele origin: germline.
Comment: This sequence change replaces isoleucine, which is neutral and non-polar, with methionine, which is neutral and non-polar, at codon 906 of the MTOR protein (p.Ile906Met). This variant is not present in population databases (gnomAD no frequency). This variant has not been reported in the literature in individuals affected with MTOR-related conditions. Invitae Evidence Modeling of protein sequence and biophysical properties (such as structural, functional, and spatial information, amino acid conservation, physicochemical variation, residue mobility, and thermodynamic stability) indicates that this missense variant is not expected to disrupt MTOR protein function with a negative predictive value of 95%. In summary, the available evidence is currently insufficient to determine the role of this variant in disease. Therefore, it has been classified as a Variant of Uncertain Significance.